The following is an entry in ClinVar:

NM_003072.5(SMARCA4):c.3358G>T (p.Gly1120Cys)

Gene: SMARCA4 (SWI/SNF related BAF chromatin remodeling complex subunit ATPase 4; plus strand). Cytogenetic location: 19p13.2.
Variant type: single nucleotide variant.
Coding change: c.3358G>T on transcript NM_003072.5 (MANE Select); coding-DNA position 3358, G replaced by T.
Protein change: p.Gly1120Cys; replaces glycine 1120 with cysteine.
Molecular consequence: missense variant. On other transcripts: non-coding transcript variant (1).
Genome position (GRCh38, 1-based): chr19:11,027,926, G>T. VCF-style: chr19-11027926-G-T. GRCh37 (hg19) VCF-style: chr19-11138602-G-T.
Other names: c.3358G>T, p.Gly1120Cys (NM_001128844.3, NM_001128845.2, NM_001128846.2 and 5 more transcripts); short protein forms G1120C.
Identifiers: ClinVar variation 1481674 (VCV001481674.11), dbSNP rs373590049, ClinGen allele CA404061868.

ClinVar aggregate classification (germline): Uncertain significance. Review status: criteria provided, multiple submitters, no conflicts (2 of 4 stars). 2 submissions from 2 submitters: Uncertain significance (2). Last evaluated 2025-01-21.

Conditions:
Hereditary cancer-predisposing syndrome. Also called: Tumor predisposition; Hereditary Cancer Syndrome; Hereditary neoplastic syndrome; Neoplastic Syndromes, Hereditary. Identifiers: Orphanet 140162, MedGen C0027672, MeSH D009386, MONDO:0015356.
Rhabdoid tumor predisposition syndrome 2 (RTPS2). Identifiers: Orphanet 231108, Orphanet 69077, MedGen C2750074, MONDO:0013224, OMIM 613325.

Submissions (2):

Ambry Genetics
Classification: Uncertain significance for Hereditary cancer-predisposing syndrome. Last evaluated: 2025-01-21. Review status: criteria provided, single submitter. Criteria: Ambry Variant Classification Scheme 2023. Collection method: clinical testing. Allele origin: germline.
Comment: The p.G1120C variant (also known as c.3358G>T), located in coding exon 23 of the SMARCA4 gene, results from a G to T substitution at nucleotide position 3358. The glycine at codon 1120 is replaced by cysteine, an amino acid with highly dissimilar properties. This amino acid position is not well conserved in available vertebrate species. In addition, the in silico prediction for this alteration is inconclusive. Based on the available evidence, the clinical significance of this variant remains unclear.

Labcorp Genetics (formerly Invitae), Labcorp
Classification: Uncertain significance for Rhabdoid tumor predisposition syndrome 2. Last evaluated: 2024-04-29. Review status: criteria provided, single submitter. Criteria: Invitae Variant Classification Sherloc (09022015). Collection method: clinical testing. Allele origin: germline.
Comment: This sequence change replaces glycine, which is neutral and non-polar, with cysteine, which is neutral and slightly polar, at codon 1120 of the SMARCA4 protein (p.Gly1120Cys). This variant is not present in population databases (gnomAD no frequency). This variant has not been reported in the literature in individuals affected with SMARCA4-related conditions. ClinVar contains an entry for this variant (Variation ID: 1481674). Advanced modeling of protein sequence and biophysical properties (such as structural, functional, and spatial information, amino acid conservation, physicochemical variation, residue mobility, and thermodynamic stability) performed at Invitae indicates that this missense variant is expected to disrupt SMARCA4 protein function with a positive predictive value of 95%. In summary, the available evidence is currently insufficient to determine the role of this variant in disease. Therefore, it has been classified as a Variant of Uncertain Significance.